The following is an entry in ClinVar:

NM_001039.4(SCNN1G):c.1779_1781dup (p.Pro594_Ala595insPro)

Gene: SCNN1G (sodium channel epithelial 1 subunit gamma; plus strand). Cytogenetic location: 16p12.2.
Variant type: Duplication.
Coding change: c.1779_1781dup on transcript NM_001039.4 (MANE Select); coding-DNA positions 1779 to 1781, 3 bases duplicated (TCC; older notation c.1779_1781dupTCC).
Protein change: p.Pro594_Ala595insPro.
Molecular consequence: inframe insertion.
Genome position (GRCh38, 1-based): chr16:23,215,298-23,215,300, TCC duplicated. VCF-style (leftmost placement, unchanged base first): chr16-23215297-A-ATCC. GRCh37 (hg19) VCF-style: chr16-23226618-A-ATCC.
Other names: c.1779_1781dup (NM_001039.3).
Identifiers: ClinVar variation 2075492 (VCV002075492.7), dbSNP rs770495447, ClinGen allele CA7959974.
Genomic context (GRCh38, chr16:23,215,297, plus strand): 5'-GGGCCTGGAAACAGGCTCCCCCATGTCCAGAAGCTCCCCGTAGCCCACAGGGCCAGGACA[A>ATCC]TCCAGCCCTGGATATAGACGATGACCTACCCACTTTCAACTCTGCTTTGCACCTGCCTCC-3'

ClinVar aggregate classification (germline): Conflicting classifications of pathogenicity. Review status: criteria provided, conflicting classifications (1 of 4 stars). 4 submissions from 4 submitters: Uncertain significance (3); Likely benign (1). Last evaluated 2024-11-20.

Conditions:
Liddle syndrome 2. Identifiers: MedGen C4748251, MONDO:0020854, OMIM 618114.
Pseudohypoaldosteronism, type IB3, autosomal recessive (PHA1B3). Identifiers: MedGen C5774256, MONDO:0859318, OMIM 620126.
Bronchiectasis with or without elevated sweat chloride 3 (BESC3). Identifiers: Orphanet 60033, MedGen C2751324, MONDO:0013112, OMIM 613071.

Allele frequency attached by ClinVar (database versions not stated): ESP Exome Variant Server 0.00024; TOPMed 0.00026; gnomAD 0.00033; gnomAD exomes 0.00034; ExAC 0.00080.

Submissions (4):

Blueprint Genetics
Classification: Likely benign. Last evaluated: 2024-11-20. Review status: criteria provided, single submitter. Criteria: ACMG Guidelines, 2015. Collection method: clinical testing. Allele origin: germline.

Fulgent Genetics
Classification: Uncertain significance for Bronchiectasis with or without elevated sweat chloride 3; Liddle syndrome 2; Pseudohypoaldosteronism, type IB3, autosomal recessive. Last evaluated: 2024-05-13. Review status: criteria provided, single submitter. Criteria: ACMG Guidelines, 2015. Collection method: clinical testing. Allele origin: germline.

Labcorp Genetics (formerly Invitae), Labcorp
Classification: Uncertain significance. Last evaluated: 2023-12-21. Review status: criteria provided, single submitter. Criteria: Invitae Variant Classification Sherloc (09022015). Collection method: clinical testing. Allele origin: germline.
Comment: This variant, c.1779_1781dup, results in the insertion of 1 amino acid(s) of the SCNN1G protein (p.Pro594dup), but otherwise preserves the integrity of the reading frame. This variant is present in population databases (rs770495447, gnomAD 0.1%), and has an allele count higher than expected for a pathogenic variant. This variant has not been reported in the literature in individuals affected with SCNN1G-related conditions. ClinVar contains an entry for this variant (Variation ID: 2075492). Experimental studies and prediction algorithms are not available or were not evaluated, and the functional significance of this variant is currently unknown. In summary, the available evidence is currently insufficient to determine the role of this variant in disease. Therefore, it has been classified as a Variant of Uncertain Significance.

GeneDx
Classification: Uncertain significance. Last evaluated: 2023-12-06. Review status: criteria provided, single submitter. Criteria: GeneDx Variant Classification Process June 2021. Collection method: clinical testing. Allele origin: germline. Affected: yes.
Comment: In-frame insertion of one amino acid in a non-repeat region; Has not been previously published as pathogenic or benign to our knowledge